The following is an entry in ClinVar:

NM_001197104.2(KMT2A):c.3701T>C (p.Val1234Ala)

Gene: KMT2A (lysine methyltransferase 2A; plus strand). Cytogenetic location: 11q23.3.
Variant type: single nucleotide variant.
Coding change: c.3701T>C on transcript NM_001197104.2 (MANE Select); coding-DNA position 3701, T replaced by C.
Protein change: p.Val1234Ala; replaces valine 1234 with alanine.
Molecular consequence: missense variant.
Genome position (GRCh38, 1-based): chr11:118,481,781, T>C. VCF-style: chr11-118481781-T-C. GRCh37 (hg19) VCF-style: chr11-118352496-T-C.
Other names: c.3800T>C, p.Val1267Ala (NM_001412597.1); c.3701T>C, p.Val1234Ala (NM_005933.4); short protein forms V1234A, V1267A.
Identifiers: ClinVar variation 2801487 (VCV002801487.3), dbSNP rs1206955501, ClinGen allele CA382827320.

ClinVar aggregate classification (germline): Uncertain significance (1 of 4 stars; one submission).

Allele frequency attached by ClinVar (database versions not stated): TOPMed 0.00001; gnomAD 0.00001.
gnomAD v4.1: 1 of 1,614,086 alleles (0.000062%); highest among the groups gnomAD compares: Admixed American, 0.0017%; no homozygotes.

Submission:

Labcorp Genetics (formerly Invitae), Labcorp
Classification: Uncertain significance. Last evaluated: 2025-10-26. Review status: criteria provided, single submitter. Criteria: Invitae Variant Classification Sherloc (09022015). Collection method: clinical testing. Allele origin: germline.
Comment: This sequence change replaces valine, which is neutral and non-polar, with alanine, which is neutral and non-polar, at codon 1234 of the KMT2A protein (p.Val1234Ala). This variant is not present in population databases (gnomAD no frequency). This variant has not been reported in the literature in individuals affected with KMT2A-related conditions. ClinVar contains an entry for this variant (Variation ID: 2801487). Invitae Evidence Modeling of protein sequence and biophysical properties (such as structural, functional, and spatial information, amino acid conservation, physicochemical variation, residue mobility, and thermodynamic stability) indicates that this missense variant is not expected to disrupt KMT2A protein function with a negative predictive value of 95%. In summary, the available evidence is currently insufficient to determine the role of this variant in disease. Therefore, it has been classified as a Variant of Uncertain Significance.